The following is an entry in ClinVar:

ClinVar aggregate classification (germline): Uncertain significance. Review status: criteria provided, multiple submitters, no conflicts (2 of 4 stars). 2 submissions from 2 submitters: Uncertain significance (2). Last evaluated 2024-09-16.

Conditions:
Cardiovascular phenotype. Identifiers: MedGen CN230736.
Brugada syndrome 8 (BRGDA8). Identifiers: Orphanet 130, MedGen C2751083, MONDO:0013148, OMIM 613123.

Allele frequency attached by ClinVar (database versions not stated): gnomAD exomes below 0.00001 and 0.00001; gnomAD 0.00001; ExAC 0.00002.
gnomAD v4.1: 10 of 1,613,922 alleles (0.00062%); highest among the groups gnomAD compares: South Asian, 0.0022%; no homozygotes.

Submissions (2):

Ambry Genetics
Classification: Uncertain significance for Cardiovascular phenotype. Last evaluated: 2024-09-16. Review status: criteria provided, single submitter. Criteria: Ambry Variant Classification Scheme 2023. Collection method: clinical testing. Allele origin: germline.
Comment: The p.A468V variant (also known as c.1403C>T), located in coding exon 4 of the HCN4 gene, results from a C to T substitution at nucleotide position 1403. The alanine at codon 468 is replaced by valine, an amino acid with similar properties. This alteration has been reported in a sudden cardiac death cohort, as well as in left ventricular non-compaction (LVNC) cohorts (Hertz CL et al. Int J Legal Med, 2016 Jan;130:91-102; Richard P et al. Clin Genet, 2019 03;95:356-367; Mazzarotto F et al. Genet Med, 2021 May;23:856-864). This amino acid position is highly conserved in available vertebrate species. In addition, this alteration is predicted to be deleterious by in silico analysis. Since supporting evidence is limited at this time, the clinical significance of this alteration remains unclear.

Labcorp Genetics (formerly Invitae), Labcorp
Classification: Uncertain significance for Brugada syndrome 8. Last evaluated: 2024-06-03. Review status: criteria provided, single submitter. Criteria: Invitae Variant Classification Sherloc (09022015). Collection method: clinical testing. Allele origin: germline.
Comment: This sequence change replaces alanine, which is neutral and non-polar, with valine, which is neutral and non-polar, at codon 468 of the HCN4 protein (p.Ala468Val). This variant is present in population databases (rs760413254, gnomAD 0.003%). This missense change has been observed in individual(s) with left ventricular noncompaction (PMID: 30471092, 34088380). ClinVar contains an entry for this variant (Variation ID: 947654). Advanced modeling of protein sequence and biophysical properties (such as structural, functional, and spatial information, amino acid conservation, physicochemical variation, residue mobility, and thermodynamic stability) performed at Invitae indicates that this missense variant is expected to disrupt HCN4 protein function with a positive predictive value of 80%. In summary, the available evidence is currently insufficient to determine the role of this variant in disease. Therefore, it has been classified as a Variant of Uncertain Significance.

Literature cited by the submitters: PubMed 26383259 (cited by Ambry Genetics); PubMed 30471092 (cited by Ambry Genetics and Labcorp Genetics (formerly Invitae), Labcorp); PubMed 33500567 (cited by Ambry Genetics); PubMed 34088380 (cited by Labcorp Genetics (formerly Invitae), Labcorp).

NM_005477.3(HCN4):c.1403C>T (p.Ala468Val)

Gene: HCN4 (hyperpolarization activated cyclic nucleotide gated potassium channel 4; minus strand). Cytogenetic location: 15q24.1.
Variant type: single nucleotide variant.
Coding change: c.1403C>T on transcript NM_005477.3 (MANE Select); coding-DNA position 1403, C replaced by T.
Protein change: p.Ala468Val; replaces alanine 468 with valine.
Molecular consequence: missense variant.
Genome position (GRCh38, 1-based): chr15:73,329,760, G>A on the plus strand (C>T on the coding strand, the complement: HCN4 is on the minus strand). VCF-style: chr15-73329760-G-A. GRCh37 (hg19) VCF-style: chr15-73622101-G-A.
Other names: short protein forms A468V.
Identifiers: ClinVar variation 947654 (VCV000947654.11), dbSNP rs760413254, ClinGen allele CA7649297.
Genomic context (GRCh38, chr15:73,329,760, plus strand): 5'-CCCACGGGCGCCTGCCGCCCGTAGCCGATGCACAGCATGTGGCTCATGGCCTTGAAGAGC[G>A]CGTAGGAGTACTGCTTCCCCCAGGAGTTGTTCTGTGGACAGACGGATGGGTGGGGACAGT-3'
Protein context (NP_005468.1, residues 458-478): NNSWGKQYSY[Ala468Val]LFKAMSHMLC